The following is an entry in ClinVar:

NM_001037132.4(NRCAM):c.2581T>G (p.Leu861Val)

Gene: NRCAM (neuronal cell adhesion molecule; minus strand). Cytogenetic location: 7q31.1.
Variant type: single nucleotide variant.
Coding change: c.2581T>G on transcript NM_001037132.4 (MANE Select); coding-DNA position 2581, T replaced by G.
Protein change: p.Leu861Val; replaces leucine 861 with valine.
Molecular consequence: missense variant. On other transcripts: non-coding transcript variant (5).
Genome position (GRCh38, 1-based): chr7:108,181,887, A>C on the plus strand (T>G on the coding strand, the complement: NRCAM is on the minus strand). VCF-style: chr7-108181887-A-C. GRCh37 (hg19) VCF-style: chr7-107822331-A-C.
Other names: c.2524T>G, p.Leu842Val (NM_001371166.1, NM_001371167.1, NM_001193583.2 and 22 more transcripts); c.2581T>G, p.Leu861Val (NM_001371168.1, NM_001193582.2, NM_001371123.1 and 10 more transcripts); c.2581T>G (NM_001037132.2); c.2236T>G, p.Leu746Val (NM_001371125.1, NM_001371147.1, NM_001371142.1 and 2 more transcripts); c.2578T>G, p.Leu860Val (NM_001371127.1); c.2533T>G, p.Leu845Val (NM_001371130.1, NM_001371133.1, NM_001371136.1 and 8 more transcripts); c.2530T>G, p.Leu844Val (NM_001371134.1); c.2263T>G, p.Leu755Val (NM_001371148.1, NM_001371170.1, NM_001371179.1 and 1 more transcripts); and 4 more; short protein forms L542V, L746V, L755V, L826V, L842V, L844V, L845V, L851V.
Identifiers: ClinVar variation 2689605 (VCV002689605.3), dbSNP rs867372071, ClinGen allele CA164293980.

ClinVar aggregate classification (germline): Uncertain significance. Review status: criteria provided, multiple submitters, no conflicts (2 of 4 stars). 2 submissions from 2 submitters: Uncertain significance (2). Last evaluated 2025-02-12.

Conditions:
NRCAM-related disorder.
Neurodevelopmental disorder with neuromuscular and skeletal abnormalities (NEDNMS). Identifiers: MedGen C5676965, MONDO:0859236, OMIM 619833.

Allele frequency attached by ClinVar (database versions not stated): TOPMed below 0.00001; gnomAD exomes below 0.00001.
gnomAD v4.1: 9 of 1,614,172 alleles (0.00056%); highest among the groups gnomAD compares: Middle Eastern, 0.017%; no homozygotes.

Submissions (2):

PreventionGenetics, part of Exact Sciences
Classification: Uncertain significance for NRCAM-related condition. Last evaluated: 2025-02-12. Review status: criteria provided, single submitter. Criteria: ACMG Guidelines, 2015. Collection method: clinical testing. Allele origin: germline.
Comment: The NRCAM c.2581T>G variant is predicted to result in the amino acid substitution p.Leu861Val. To our knowledge, this variant has not been reported in the literature or in a large population database (gnomAD), indicating this variant is rare. At this time, the clinical significance of this variant is uncertain due to the absence of conclusive functional and genetic evidence.

Revvity Omics, Revvity
Classification: Uncertain significance for Neurodevelopmental disorder with neuromuscular and skeletal abnormalities. Last evaluated: 2023-07-21. Review status: criteria provided, single submitter. Criteria: ACMG Guidelines, 2015. Collection method: clinical testing. Allele origin: germline.